The following is an entry in ClinVar:

ClinVar aggregate classification (germline): Uncertain significance (1 of 4 stars; one submission).

Conditions:
Arrhythmogenic cardiomyopathy with wooly hair and keratoderma. Also called: PALMOPLANTAR KERATODERMA WITH LEFT VENTRICULAR CARDIOMYOPATHY AND WOOLLY HAIR; Carvajal syndrome; Dilated cardiomyopathy with woolly hair and keratoderma; Arrhythmogenic cardiomyopathy with woolly hair and keratoderma. Identifiers: Orphanet 65282, MedGen C1854063, MONDO:0011581, OMIM 605676.

Submission:

All of Us Research Program, National Institutes of Health
Classification: Uncertain significance for Arrhythmogenic cardiomyopathy with wooly hair and keratoderma. Last evaluated: 2023-06-26. Review status: criteria provided, single submitter. Criteria: ACMG Guidelines, 2015. Collection method: clinical testing. Allele origin: germline. Inheritance: Autosomal dominant inheritance. Observed: 1 variant allele, 1 heterozygote.
Comment: This missense variant replaces isoleucine with methionine at codon 2111 of the DSP protein. Computational prediction suggests that this variant may not impact protein structure and function (internally defined REVEL score threshold <= 0.5, PMID: 27666373). To our knowledge, functional studies have not been reported for this variant. This variant has not been reported in individuals affected with DSP-related disorders in the literature. This variant has been identified in 1/251358 chromosomes in the general population by the Genome Aggregation Database (gnomAD). The available evidence is insufficient to determine the role of this variant in disease conclusively. Therefore, this variant is classified as a Variant of Uncertain Significance.

This study involves interpretation of variants in research participants for the purpose of population health screening. Participant phenotype was not available at the time of variant classification. Additional details can be found in publication PMID: 35346344, PMCID: PMC8962531

NM_004415.4(DSP):c.6333C>G (p.Ile2111Met)

Gene: DSP (desmoplakin; plus strand). Cytogenetic location: 6p24.3.
Variant type: single nucleotide variant.
Coding change: c.6333C>G on transcript NM_004415.4 (MANE Select); coding-DNA position 6333, C replaced by G.
Protein change: p.Ile2111Met; replaces isoleucine 2111 with methionine.
Molecular consequence: missense variant.
Genome position (GRCh38, 1-based): chr6:7,583,595, C>G. VCF-style: chr6-7583595-C-G. GRCh37 (hg19) VCF-style: chr6-7583828-C-G.
Other names: c.4536C>G, p.Ile1512Met (NM_001008844.3); c.5004C>G, p.Ile1668Met (NM_001319034.2); short protein forms I1512M, I1668M, I2111M.
Identifiers: ClinVar variation 3071981 (VCV003071981.1), dbSNP rs1403944739, ClinGen allele CA362690572.